The following is an entry in ClinVar:

ClinVar aggregate classification (germline): Uncertain significance (1 of 4 stars; one submission).

Submission:

Ambry Genetics
Classification: Uncertain significance. Last evaluated: 2023-11-09. Review status: criteria provided, single submitter. Criteria: Ambry Variant Classification Scheme 2023. Collection method: clinical testing. Allele origin: germline.
Comment: The p.L2194P variant (also known as c.6581T>C), located in coding exon 49 of the PRKDC gene, results from a T to C substitution at nucleotide position 6581. The leucine at codon 2194 is replaced by proline, an amino acid with similar properties. This amino acid position is conserved. Since supporting evidence is limited at this time, the clinical significance of this alteration remains unclear.

NM_006904.7(PRKDC):c.6581T>C (p.Leu2194Pro)

Gene: PRKDC (protein kinase, DNA-activated, catalytic subunit; minus strand). Cytogenetic location: 8q11.21.
Variant type: single nucleotide variant.
Coding change: c.6581T>C on transcript NM_006904.7 (MANE Select); coding-DNA position 6581, T replaced by C.
Protein change: p.Leu2194Pro; replaces leucine 2194 with proline.
Molecular consequence: missense variant.
Genome position (GRCh38, 1-based): chr8:47,857,184, A>G on the plus strand (T>C on the coding strand, the complement: PRKDC is on the minus strand). VCF-style: chr8-47857184-A-G. GRCh37 (hg19) VCF-style: chr8-48769745-A-G.
Other names: c.6581T>C, p.Leu2194Pro (NM_001081640.2); short protein forms L2194P.
Identifiers: ClinVar variation 3225889 (VCV003225889.1), dbSNP rs2551869732, ClinGen allele CA371159935.